The following is an entry in ClinVar:

NM_014714.4(IFT140):c.1824A>G (p.Thr608=)

Gene: IFT140 (intraflagellar transport 140; minus strand). Cytogenetic location: 16p13.3.
Variant type: single nucleotide variant.
Coding change: c.1824A>G on transcript NM_014714.4 (MANE Select); coding-DNA position 1824, A replaced by G.
Protein change: p.Thr608=; no amino-acid change (threonine 608 retained).
Molecular consequence: synonymous variant.
Genome position (GRCh38, 1-based): chr16:1,566,238, T>C on the plus strand (A>G on the coding strand, the complement: IFT140 is on the minus strand). VCF-style: chr16-1566238-T-C. GRCh37 (hg19) VCF-style: chr16-1616239-T-C.
Identifiers: ClinVar variation 707048 (VCV000707048.40), dbSNP rs35433680, ClinGen allele CA7814125.

ClinVar aggregate classification (germline): Conflicting classifications of pathogenicity. Review status: criteria provided, conflicting classifications (1 of 4 stars). 4 submissions from 4 submitters: Uncertain significance (1); Likely benign (3). Last evaluated 2026-09-01.

Conditions:
Saldino-Mainzer syndrome (SRTD9). Also called: SHORT-RIB THORACIC DYSPLASIA 9 WITHOUT POLYDACTYLY; CONORENAL SYNDROME; short-rib thoracic dysplasia 9 with or without polydactyly; Renal dysplasia, retinal pigmentary dystrophy, cerebellar ataxia and skeletal dysplasia. Identifiers: Orphanet 140969, MedGen C1849437, MONDO:0009964, OMIM 266920.

Allele frequency attached by ClinVar (database versions not stated): ExAC 0.00082; gnomAD 0.00093 and 0.00094; gnomAD exomes 0.00097 and 0.00156; TOPMed 0.00101; 1000 Genomes Project 0.00140; ESP Exome Variant Server 0.00146; 1000 Genomes Project 30x 0.00156.
gnomAD v4.1: 2,384 of 1,613,900 alleles (0.15%); highest among the groups gnomAD compares: Non-Finnish European, 0.19%; 5 homozygotes.

Submissions (6):

CeGaT Center for Human Genetics Tuebingen
Classification: Likely benign. Last evaluated: 2026-09-01. Review status: criteria provided, single submitter. Criteria: CeGaT Center For Human Genetics Tuebingen Variant Classification Criteria Version 2. Collection method: clinical testing. Allele origin: germline. Affected: yes. Observed: 2 variant alleles.
Comment: IFT140: BP4, BP7

Labcorp Genetics (formerly Invitae), Labcorp
Classification: Likely benign for Saldino-Mainzer syndrome. Last evaluated: 2026-01-20. Review status: criteria provided, single submitter. Criteria: Invitae Variant Classification Sherloc (09022015). Collection method: clinical testing. Allele origin: germline.

Blueprint Genetics
Classification: Likely benign. Last evaluated: 2024-11-13. Review status: criteria provided, single submitter. Criteria: ACMG Guidelines, 2015. Collection method: clinical testing. Allele origin: germline.

Illumina Laboratory Services, Illumina
Classification: Uncertain significance for Saldino-Mainzer syndrome. Last evaluated: 2018-01-13. Review status: criteria provided, single submitter. Criteria: ICSL Variant Classification Criteria 13 December 2019. Collection method: clinical testing. Allele origin: germline.

Dr. Peter K. Rogan Lab, Western University
No classification provided (evidence only). Condition: Sarcoma. Review status: no classification provided. Collection method: in vitro. Allele origin: not applicable. Functional consequence: retained intron. Not counted in ClinVar's aggregate classification.

Dr. Peter K. Rogan Lab, Western University
No classification provided (evidence only). Condition: Nonpapillary renal cell carcinoma. Review status: no classification provided. Collection method: in vitro. Allele origin: not applicable. Functional consequence: retained intron. Not counted in ClinVar's aggregate classification.